The following is an entry in ClinVar:

ClinVar aggregate classification (germline): Uncertain significance. Review status: criteria provided, multiple submitters, no conflicts (2 of 4 stars). 2 submissions from 2 submitters: Uncertain significance (2). Last evaluated 2025-01-08.

Conditions:
Epileptic encephalopathy. Identifiers: MedGen C0543888, HP:0200134.

Allele frequency attached by ClinVar (database versions not stated): gnomAD 0.00002 and 0.00003; gnomAD exomes 0.00004 and 0.00012; TOPMed 0.00008; ExAC 0.00011.
gnomAD v4.1: 66 of 1,601,802 alleles (0.0041%); highest among the groups gnomAD compares: East Asian, 0.063%; no homozygotes.

Submissions (2):

Ambry Genetics
Classification: Uncertain significance. Last evaluated: 2025-01-08. Review status: criteria provided, single submitter. Criteria: Ambry Variant Classification Scheme 2023. Collection method: clinical testing. Allele origin: germline.

Labcorp Genetics (formerly Invitae), Labcorp
Classification: Uncertain significance for Epileptic encephalopathy. Last evaluated: 2021-08-27. Review status: criteria provided, single submitter. Criteria: Invitae Variant Classification Sherloc (09022015). Collection method: clinical testing. Allele origin: germline.
Comment: This sequence change replaces threonine with methionine at codon 3096 of the RYR3 protein (p.Thr3096Met). The threonine residue is moderately conserved and there is a moderate physicochemical difference between threonine and methionine. This variant is present in population databases (rs777925575, ExAC 0.09%). This variant has not been reported in the literature in individuals affected with RYR3-related conditions. Algorithms developed to predict the effect of missense changes on protein structure and function are either unavailable or do not agree on the potential impact of this missense change (SIFT: "Deleterious"; PolyPhen-2: "Benign"; Align-GVGD: "Class C0"). In summary, the available evidence is currently insufficient to determine the role of this variant in disease. Therefore, it has been classified as a Variant of Uncertain Significance.

NM_001036.6(RYR3):c.9287C>T (p.Thr3096Met)

Gene: RYR3 (ryanodine receptor 3; plus strand). Cytogenetic location: 15q14.
Variant type: single nucleotide variant.
Coding change: c.9287C>T on transcript NM_001036.6 (MANE Select); coding-DNA position 9287, C replaced by T.
Protein change: p.Thr3096Met; replaces threonine 3096 with methionine.
Molecular consequence: missense variant.
Genome position (GRCh38, 1-based): chr15:33,785,680, C>T. VCF-style: chr15-33785680-C-T. GRCh37 (hg19) VCF-style: chr15-34077881-C-T.
Other names: c.9287C>T, p.Thr3096Met (NM_001243996.4); c.9287C>T (NM_001036.3); short protein forms T3096M.
Identifiers: ClinVar variation 1021757 (VCV001021757.3), dbSNP rs777925575, ClinGen allele CA7460489.